The following is an entry in ClinVar:

ClinVar aggregate classification (germline): Conflicting classifications of pathogenicity. Review status: criteria provided, conflicting classifications (1 of 4 stars). 7 submissions from 7 submitters: Uncertain significance (2); Benign (2); Likely benign (3). Last evaluated 2026-01-29.

Conditions:
ELAC2-related disorder. Also called: ELAC2-related condition.
Combined oxidative phosphorylation defect type 17. Also called: Combined oxidative phosphorylation deficiency 17. Identifiers: Orphanet 369913, MedGen C3809526, MONDO:0014190, OMIM 615440.

Allele frequency attached by ClinVar (database versions not stated): gnomAD exomes 0.00024 and 0.00070; ExAC 0.00083; ESP Exome Variant Server 0.00231; gnomAD 0.00260 and 0.00275; 1000 Genomes Project 30x 0.00265; TOPMed 0.00286; 1000 Genomes Project 0.00300.
gnomAD v4.1: 755 of 1,614,178 alleles (0.047%); highest among the groups gnomAD compares: African/African-American, 0.91%; 5 homozygotes.

Submissions (19):

Labcorp Genetics (formerly Invitae), Labcorp
Classification: Benign for Combined oxidative phosphorylation defect type 17. Last evaluated: 2026-01-29. Review status: criteria provided, single submitter. Criteria: Invitae Variant Classification Sherloc (09022015). Collection method: clinical testing. Allele origin: germline.

PreventionGenetics, part of Exact Sciences
Classification: Likely benign for ELAC2-related condition. Last evaluated: 2025-12-22. Review status: criteria provided, single submitter. Criteria: ACMG Guidelines, 2015. Collection method: clinical testing. Allele origin: germline.
Comment: This variant is classified as likely benign based on ACMG/AMP sequence variant interpretation guidelines (Richards et al. 2015 PMID: 25741868, with internal and published modifications).

Mayo Clinic Laboratories, Mayo Clinic
Classification: Likely benign. Last evaluated: 2025-05-13. Review status: criteria provided, single submitter. Criteria: ACMG Guidelines, 2015. Collection method: clinical testing. Allele origin: germline. Observed: 6 variant alleles.
Comment: BS1, BS2

Blueprint Genetics
Classification: Uncertain significance. Last evaluated: 2024-09-18. Review status: criteria provided, single submitter. Criteria: ACMG Guidelines, 2015. Collection method: clinical testing. Allele origin: germline.

CeGaT Center for Human Genetics Tuebingen
Classification: Likely benign. Last evaluated: 2024-07-01. Review status: criteria provided, single submitter. Criteria: CeGaT Center For Human Genetics Tuebingen Variant Classification Criteria Version 2. Collection method: clinical testing. Allele origin: germline. Affected: yes. Observed: 1 variant allele.
Comment: ELAC2: BS2

GeneDx
Classification: Benign. Last evaluated: 2020-05-18. Review status: criteria provided, single submitter. Criteria: GeneDx Variant Classification Process June 2021. Collection method: clinical testing. Allele origin: germline. Affected: yes.
Comment: This variant is associated with the following publications: (PMID: 26046366)

Center for Pediatric Genomic Medicine, Children's Mercy Hospital and Clinics
Classification: Uncertain significance. Last evaluated: 2016-01-11. Review status: criteria provided, single submitter. Criteria: ACMG Guidelines, 2015. Collection method: clinical testing. Allele origin: germline.
ClinVar note: Converted during submission from Uncertain Significance to Uncertain significance.

Dr. Peter K. Rogan Lab, Western University
No classification provided (evidence only). Condition: Malignant tumor of urinary bladder. Review status: no classification provided. Collection method: in vitro. Allele origin: not applicable. Functional consequence: skipped exon. Not counted in ClinVar's aggregate classification.

Dr. Peter K. Rogan Lab, Western University
No classification provided (evidence only). Condition: Lung cancer. Review status: no classification provided. Collection method: in vitro. Allele origin: not applicable. Functional consequence: skipped exon. Not counted in ClinVar's aggregate classification.

Dr. Peter K. Rogan Lab, Western University
No classification provided (evidence only). Condition: Familial cancer of breast. Review status: no classification provided. Collection method: in vitro. Allele origin: not applicable. Functional consequence: skipped exon. Not counted in ClinVar's aggregate classification.

Dr. Peter K. Rogan Lab, Western University
No classification provided (evidence only). Condition: Familial cancer of breast. Review status: no classification provided. Collection method: in vitro. Allele origin: not applicable. Functional consequence: skipped exon. Not counted in ClinVar's aggregate classification.

Dr. Peter K. Rogan Lab, Western University
No classification provided (evidence only). Condition: Acute myeloid leukemia. Review status: no classification provided. Collection method: in vitro. Allele origin: not applicable. Functional consequence: skipped exon. Not counted in ClinVar's aggregate classification.

Dr. Peter K. Rogan Lab, Western University
No classification provided (evidence only). Condition: Thyroid cancer, nonmedullary, 1. Review status: no classification provided. Collection method: in vitro. Allele origin: not applicable. Functional consequence: skipped exon. Not counted in ClinVar's aggregate classification.

Dr. Peter K. Rogan Lab, Western University
No classification provided (evidence only). Condition: Cervical cancer. Review status: no classification provided. Collection method: in vitro. Allele origin: not applicable. Functional consequence: skipped exon. Not counted in ClinVar's aggregate classification.

Dr. Peter K. Rogan Lab, Western University
No classification provided (evidence only). Condition: Cervical cancer. Review status: no classification provided. Collection method: in vitro. Allele origin: not applicable. Functional consequence: skipped exon. Not counted in ClinVar's aggregate classification.

Dr. Peter K. Rogan Lab, Western University
No classification provided (evidence only). Condition: Cervical cancer. Review status: no classification provided. Collection method: in vitro. Allele origin: not applicable. Functional consequence: skipped exon. Not counted in ClinVar's aggregate classification.

Dr. Peter K. Rogan Lab, Western University
No classification provided (evidence only). Condition: Sarcoma. Review status: no classification provided. Collection method: in vitro. Allele origin: not applicable. Functional consequence: skipped exon, retained intron. Not counted in ClinVar's aggregate classification.

Dr. Peter K. Rogan Lab, Western University
No classification provided (evidence only). Condition: Sarcoma. Review status: no classification provided. Collection method: in vitro. Allele origin: not applicable. Functional consequence: skipped exon. Not counted in ClinVar's aggregate classification.

Dr. Peter K. Rogan Lab, Western University
No classification provided (evidence only). Condition: Ovarian serous cystadenocarcinoma. Review status: no classification provided. Collection method: in vitro. Allele origin: not applicable. Functional consequence: skipped exon. Not counted in ClinVar's aggregate classification.

Literature cited by the submitters: PubMed 26046366 (cited by Mayo Clinic Laboratories, Mayo Clinic).

NM_018127.7(ELAC2):c.560-2A>G

Gene: ELAC2 (elaC ribonuclease Z 2; minus strand). Cytogenetic location: 17p12.
Variant type: single nucleotide variant.
Coding change: c.560-2A>G on transcript NM_018127.7 (MANE Select); the canonical splice acceptor site of the intron before coding-DNA position 560, A replaced by G.
Molecular consequence: splice acceptor variant. On other transcripts: intron variant (1).
Genome position (GRCh38, 1-based): chr17:13,011,784, T>C on the plus strand (A>G on the coding strand, the complement: ELAC2 is on the minus strand). VCF-style: chr17-13011784-T-C. GRCh37 (hg19) VCF-style: chr17-12915101-T-C.
Other names: c.560-1113A>G (NM_001165962.2); c.560-2A>G (NM_173717.2).
Identifiers: ClinVar variation 235643 (VCV000235643.42), dbSNP rs149733287, ClinGen allele CA8401584.
Genomic context (GRCh38, chr17:13,011,784, plus strand): 5'-CCTGCTGAGAGGCCTTTCTGGACTCTGCCATGGTTGGTGCTTTCCCCTCCTCTGTTCACC[T>C]GGTCAGTACAGATACCACCAAATTACACACTGCACAAGGTGAGCTGACAGCCAAGGCCCA-3'